The following is an entry in ClinVar:

NM_002474.3(MYH11):c.1414G>A (p.Glu472Lys)

Gene: MYH11 (myosin heavy chain 11; minus strand). Cytogenetic location: 16p13.11.
Variant type: single nucleotide variant.
Coding change: c.1414G>A on transcript NM_002474.3 (MANE Select); coding-DNA position 1414, G replaced by A.
Protein change: p.Glu472Lys; replaces glutamic acid 472 with lysine.
Molecular consequence: missense variant.
Genome position (GRCh38, 1-based): chr16:15,757,988, C>T on the plus strand (G>A on the coding strand, the complement: MYH11 is on the minus strand). VCF-style: chr16-15757988-C-T. GRCh37 (hg19) VCF-style: chr16-15851845-C-T.
Other names: c.1435G>A, p.Glu479Lys (NM_001040113.2, NM_001040114.2); c.1414G>A, p.Glu472Lys (NM_022844.3); short protein forms E472K, E479K.
Identifiers: ClinVar variation 4756190 (VCV004756190.1).
Genomic context (GRCh38, chr16:15,757,988, plus strand): 5'-ACATGGTGTGGTTGAAGAGCTGCTGCAGCTTCTCGTTGGTGTAGTTGATGCACAGCTGCT[C>T]GAAGGAGTTCACCTGAGCACATGGCGTGGGGGCGGGGCGTGAGCATCTTGGTATGAAGTC-3'
Protein context (NP_002465.1, residues 462-482): GFEIFEVNSF[Glu472Lys]QLCINYTNEK

ClinVar aggregate classification (germline): Uncertain significance (1 of 4 stars; one submission).

Conditions:
Familial thoracic aortic aneurysm and aortic dissection (TAAD). Also called: Thoracic aortic aneurysms and dissections. Identifiers: Orphanet 91387, MedGen C4707243, MONDO:0019625.

gnomAD v4.1: 2 of 1,613,898 alleles (0.00012%); highest among the groups gnomAD compares: Non-Finnish European, 0.00017%; no homozygotes.

Submission:

Color Diagnostics, LLC DBA Color Health
Classification: Uncertain significance for Familial thoracic aortic aneurysm and aortic dissection. Last evaluated: 2025-08-22. Review status: criteria provided, single submitter. Criteria: ACMG Guidelines, 2015. Collection method: clinical testing. Allele origin: germline.
Comment: This missense variant replaces glutamic acid with lysine at codon 479 of the MYH11 protein. Computational prediction suggests that this variant may have deleterious impact on protein structure and function. To our knowledge, functional studies have not been reported for this variant. This variant has not been reported in individuals affected with MYH11-related disorders in the literature. This variant has been identified in 1/251470 chromosomes in the general population by the Genome Aggregation Database (gnomAD). The available evidence is insufficient to determine the role of this variant in disease conclusively. Therefore, this variant is classified as a Variant of Uncertain Significance.